The following is an entry in ClinVar:

ClinVar aggregate classification (germline): Pathogenic/Likely pathogenic. Review status: criteria provided, multiple submitters, no conflicts (2 of 4 stars). 16 submissions from 14 submitters: Pathogenic (11); Likely pathogenic (1). 4 of the submissions do not count toward it. Last evaluated 2026-01-15.

Conditions:
GBA-related disorder. Also called: GBA-related disorders.
GBA1-related disorder. Also called: GBA1-related condition.
Parkinson disease, late-onset (PD). Also called: Susceptibility to Parkinson's Disease; PARKINSON DISEASE, LATE-ONSET, SUSCEPTIBILITY TO; Hereditary late onset Parkinson disease. Identifiers: Orphanet 411602, MedGen C3160718, MONDO:0008199, OMIM 168600.
Gaucher disease-ophthalmoplegia-cardiovascular calcification syndrome. Also called: GAUCHER DISEASE, TYPE IIIC. Identifiers: Orphanet 2072, MedGen C1856476, MONDO:0009268, OMIM 231005.
Gaucher disease perinatal lethal. Also called: Gaucher disease collodion type; Gaucher Disease, Perinatal-Lethal Form. Identifiers: Orphanet 85212, MedGen C1842704, MONDO:0011945, OMIM 608013.
Gaucher disease type I (GD1). Also called: GAUCHER DISEASE, NONCEREBRAL JUVENILE; GBA DEFICIENCY; GD I; GLUCOCEREBROSIDASE DEFICIENCY; ACID BETA-GLUCOSIDASE DEFICIENCY; GD 1. Identifiers: Orphanet 355, Orphanet 77259, MedGen C1961835, MONDO:0009265, OMIM 230800.
Gaucher disease type II (GD2). Also called: GAUCHER DISEASE, ACUTE NEURONOPATHIC TYPE; GD II; Type 2 Gaucher disease (Acute; Infantile); Acute neuronopathic Gaucher's disease. Identifiers: Orphanet 77260, MedGen C0268250, MONDO:0009266, OMIM 230900.
Gaucher disease type III. Also called: GAUCHER DISEASE, CHRONIC NEURONOPATHIC TYPE; GAUCHER DISEASE, JUVENILE AND ADULT, CEREBRAL; GAUCHER DISEASE, SUBACUTE NEURONOPATHIC TYPE; GD III; Gaucher Disease, Type 3; Type 3 Gaucher disease (Subacute; Juvenile). Identifiers: Orphanet 355, Orphanet 77261, MedGen C0268251, MONDO:0009267, OMIM 231000.
Lewy body dementia (DLB). Also called: Lewy Body Disease. Identifiers: MedGen C0752347, MONDO:0007488, OMIM 127750.
Gaucher disease. Also called: Acute cerebral Gaucher disease; Cerebroside lipidosis syndrome; Gaucher splenomegaly; Sphingolipidosis 1; Glucocerebrosidosis; Glucosylceramidase deficiency. Identifiers: Orphanet 355, MedGen C0017205, MONDO:0018150.

Allele frequency attached by ClinVar (database versions not stated): gnomAD 0.00001; ExAC 0.00002; gnomAD exomes 0.00002.
gnomAD v4.1: 33 of 1,614,028 alleles (0.002%); highest among the groups gnomAD compares: East Asian, 0.025%; no homozygotes.

Submissions 1 to 7 of 16:

3billion
Classification: Pathogenic for GBA1-related disorder. Last evaluated: 2026-01-15. Review status: criteria provided, single submitter. Criteria: ACMG Guidelines, 2015. Collection method: clinical testing. Allele origin: germline. Affected: yes.
Comment: The variant is observed at an extremely low frequency in the gnomAD v4.1.0 dataset (total allele frequency: 0.002%). Predicted Consequence/Location: Missense variant In silico tool predictions suggest damaging effect of the variant on gene or gene product [REVEL: 0.79 (>=0.6, sensitivity 0.68 and specificity 0.92); 3Cnet: 1.00 (> 0.75, sensitivity 0.96 and precision 0.92)]. The same nucleotide change resulting in the same amino acid change has been previously reported as pathogenic/likely pathogenic with strong evidence (ClinVar ID: VCV000004301 /PMID: 1840477 /3billion dataset). The variant has been observed in at least two similarly affected unrelated individuals (PMID: 30537300). A different missense change at the same codon (p.Phe252Leu) has been reported to be associated with GBA1-related disorder (PMID: 23430543). Therefore, this variant is classified as Pathogenic according to the recommendation of ACMG/AMP guideline.

Labcorp Genetics (formerly Invitae), Labcorp
Classification: Pathogenic. Last evaluated: 2025-12-15. Review status: criteria provided, single submitter. Criteria: Invitae Variant Classification Sherloc (09022015). Collection method: clinical testing. Allele origin: germline.
Comment: This sequence change replaces phenylalanine, which is neutral and non-polar, with isoleucine, which is neutral and non-polar, at codon 252 of the GBA protein (p.Phe252Ile). This variant is present in population databases (rs381737, gnomAD 0.01%). This missense change has been observed in individual(s) with Gaucher disease and/or Parkinson's disease (PMID: 1301953, 12204005, 17689991, 29140481). This variant is also known as p.Phe213Ile. ClinVar contains an entry for this variant (Variation ID: 4301). Invitae Evidence Modeling of protein sequence and biophysical properties (such as structural, functional, and spatial information, amino acid conservation, physicochemical variation, residue mobility, and thermodynamic stability) indicates that this missense variant is not expected to disrupt GBA protein function with a negative predictive value of 80%. Experimental studies have shown that this missense change affects GBA function (PMID: 1840477). This variant disrupts the p.Phe252 amino acid residue in GBA. Other variant(s) that disrupt this residue have been observed in individuals with GBA-related conditions (PMID: 23430543), which suggests that this may be a clinically significant amino acid residue. For these reasons, this variant has been classified as Pathogenic.

Natera, Inc.
Classification: Pathogenic for Gaucher disease. Last evaluated: 2025-09-07. Review status: criteria provided, single submitter. Criteria: Natera Variant Classification Schema (03/2026). Collection method: clinical testing. Allele origin: germline.
Comment: The c.754T>A variant in GBA1 is a missense variant predicted to cause substitution of phenylalanine to isoleucine at amino acid 252. This variant is rare in the general population with a frequency below the threshold expected for the associated phenotype(s). This variant has been observed in one or more individuals affected with the associated recessive disease, as either homozygous or compound heterozygous with a second variant (PMID: 17689991, 30023299, 32165122). Given the available evidence, this variant is classified as Pathogenic.

Genomic Medicine Center of Excellence, King Faisal Specialist Hospital and Research Centre
Classification: Pathogenic for Lewy body dementia. Last evaluated: 2024-12-19. Review status: criteria provided, single submitter. Criteria: ACMG Guidelines, 2015. Collection method: clinical testing. Allele origin: germline.

Illumina Laboratory Services, Illumina
Classification: Pathogenic for Gaucher disease. Last evaluated: 2024-01-19. Review status: criteria provided, single submitter. Criteria: ICSLVariantClassificationCriteria RUGD 01 April 2020. Collection method: clinical testing. Allele origin: unknown.
Comment: The GBA1 c.754T>A p.(Phe252Ile) missense variant, also referred to as c.754T>A p.(Phe213Ile), has been identified in multiple individuals with Gaucher disease. The variant has been described in both a homozygous state and in trans with a second pathogenic GBA1 variant (PMID: 38053927; 29685539; 17689991; 20729108; 30764785). This variant is reported at a frequency of 0.000245 in the East Asian population of the Genome Aggregation Database (version 4.1.1). Multiple lines of computational evidence suggest the variant may impact the gene or gene product. Based on the available evidence, the c.754T>A p.(Phe252Ile) variant is classified as pathogenic for Gaucher disease.

Fulgent Genetics
Classification: Pathogenic for Lewy body dementia; Parkinson disease, late-onset; Gaucher disease type I; Gaucher disease type II; Gaucher disease type III; Gaucher disease-ophthalmoplegia-cardiovascular calcification syndrome; Gaucher disease perinatal lethal. Last evaluated: 2021-10-29. Review status: criteria provided, single submitter. Criteria: ACMG Guidelines, 2015. Collection method: clinical testing. Allele origin: unknown.

GeneDx
Classification: Pathogenic. Last evaluated: 2021-02-03. Review status: criteria provided, single submitter. Criteria: GeneDx Variant Classification Process June 2021. Collection method: clinical testing. Allele origin: germline. Affected: yes.
Comment: Published functional studies demonstrate that this variant results in deficient beta-glucocerebrosidase activity (Kawame et al., 1991; Kim et al., 2020); Also described in past literature as p.F213I using alternate nomenclature; This variant is associated with the following publications: (PMID: 32677286, 33176831, 27802905, 15954102, 15276648, 23430543, 20301446, 30764785, 30949558, 19830760, 31637888, 30537300, 12204005, 25435509, 25875285, 29699937, 14984463, 16720474, 17689991, 1840477, 1301953, 29685539, 29140481, 20729108)

NM_000157.4(GBA1):c.754T>A (p.Phe252Ile)

Genes: GBA1 (glucosylceramidase beta 1; minus strand), LOC106627981 (GBA recombination region; plus strand). Cytogenetic location: 1q22.
Variant type: single nucleotide variant.
Coding change: c.754T>A on transcript NM_000157.4 (MANE Select); coding-DNA position 754, T replaced by A.
Protein change: p.Phe252Ile; replaces phenylalanine 252 with isoleucine.
Molecular consequence: missense variant.
Genome position (GRCh38, 1-based): chr1:155,238,141, A>T on the plus strand (T>A on the coding strand, the complement: GBA1 is on the minus strand). VCF-style: chr1-155238141-A-T. GRCh37 (hg19) VCF-style: chr1-155207932-A-T.
Other names: F213I; c.754T>A (NM_000157.3, NM_001005742.2); c.754T>A, p.Phe252Ile (NM_001005741.3, NM_001005742.3); c.493T>A, p.Phe165Ile (NM_001171811.2); c.607T>A, p.Phe203Ile (NM_001171812.2); short protein forms F252I, F165I, F203I.
Identifiers: ClinVar variation 4301 (VCV000004301.38), dbSNP rs381737, ClinGen allele CA221413.